The following is an entry in ClinVar:

ClinVar aggregate classification (germline): Likely benign. Review status: criteria provided, multiple submitters, no conflicts (2 of 4 stars). 2 submissions from 2 submitters: Likely benign (2). Last evaluated 2025-12-09.

Conditions:
Familial sleep-related hypermotor epilepsy. Also called: Autosomal Dominant Sleep-Related Hypermotor (Hyperkinetic) Epilepsy. Identifiers: Orphanet 98784, MedGen C3696898, MONDO:0000030.

Allele frequency attached by ClinVar (database versions not stated): gnomAD exomes 0.00001 and 0.00002; ExAC 0.00003; TOPMed 0.00003.
gnomAD v4.1: 12 of 1,614,078 alleles (0.00074%); highest among the groups gnomAD compares: Admixed American, 0.015%; no homozygotes.

Submissions (2):

Labcorp Genetics (formerly Invitae), Labcorp
Classification: Likely benign. Last evaluated: 2025-12-09. Review status: criteria provided, single submitter. Criteria: Invitae Variant Classification Sherloc (09022015). Collection method: clinical testing. Allele origin: germline.

Women's Health and Genetics/Laboratory Corporation of America, LabCorp
Classification: Likely benign. Last evaluated: 2025-06-09. Review status: criteria provided, single submitter. Criteria: LabCorp Variant Classification Summary - May 2015. Collection method: clinical testing. Allele origin: germline.
Comment: Variant summary: CHRNA2 c.472A>G (p.Thr158Ala) results in a non-conservative amino acid change in the encoded protein sequence. Algorithms developed to predict the effect of missense changes on protein structure and function all suggest that this variant is likely to be disruptive. The variant allele was found at a frequency of 7.4e-06 in 1614078 control chromosomes (gnomAD v4.1). To our knowledge, no occurrence of c.472A>G in individuals affected with Autosomal Dominant Nocturnal Frontal Lobe Epilepsy 4 and no experimental evidence demonstrating its impact on protein function have been reported. ClinVar contains an entry for this variant (Variation ID: 936821). Based on the evidence outlined above, the variant was classified as likely benign.

NM_000742.4(CHRNA2):c.472A>G (p.Thr158Ala)

Gene: CHRNA2 (cholinergic receptor nicotinic alpha 2 subunit; minus strand). Cytogenetic location: 8p21.2.
Variant type: single nucleotide variant.
Coding change: c.472A>G on transcript NM_000742.4 (MANE Select); coding-DNA position 472, A replaced by G.
Protein change: p.Thr158Ala; replaces threonine 158 with alanine.
Molecular consequence: missense variant. On other transcripts: 5 prime UTR variant (2), intron variant (2).
Genome position (GRCh38, 1-based): chr8:27,463,971, T>C on the plus strand (A>G on the coding strand, the complement: CHRNA2 is on the minus strand). VCF-style: chr8-27463971-T-C. GRCh37 (hg19) VCF-style: chr8-27321488-T-C.
Other names: c.427A>G, p.Thr143Ala (NM_001282455.2); c.-6A>G (NM_001347705.2, NM_001347706.2); c.-12-111A>G (NM_001347708.2); c.-9-114A>G (NM_001347707.2); short protein forms T158A, T143A.
Identifiers: ClinVar variation 936821 (VCV000936821.7), dbSNP rs756730967, ClinGen allele CA4689646.